The following is an entry in ClinVar:

NM_000245.4(MET):c.2380T>A (p.Ser794Thr)

Gene: MET (MET proto-oncogene, receptor tyrosine kinase; plus strand). Cytogenetic location: 7q31.2.
Variant type: single nucleotide variant.
Coding change: c.2380T>A on transcript NM_000245.4 (MANE Select); coding-DNA position 2380, T replaced by A.
Protein change: p.Ser794Thr; replaces serine 794 with threonine.
Molecular consequence: missense variant.
Genome position (GRCh38, 1-based): chr7:116,763,065, T>A. VCF-style: chr7-116763065-T-A. GRCh37 (hg19) VCF-style: chr7-116403119-T-A.
Other names: c.2434T>A, p.Ser812Thr (NM_001127500.3); c.2380T>A, p.Ser794Thr (NM_001324401.3); c.1090T>A, p.Ser364Thr (NM_001324402.2); short protein forms S364T, S794T, S812T.
Identifiers: ClinVar variation 3623720 (VCV003623720.3).

ClinVar aggregate classification (germline): Uncertain significance. Review status: criteria provided, multiple submitters, no conflicts (2 of 4 stars). 2 submissions from 2 submitters: Uncertain significance (2). Last evaluated 2025-05-31.

Conditions:
Hereditary cancer-predisposing syndrome. Also called: Tumor predisposition; Hereditary neoplastic syndrome; Neoplastic Syndromes, Hereditary; Hereditary Cancer Syndrome. Identifiers: Orphanet 140162, MedGen C0027672, MeSH D009386, MONDO:0015356.
Renal cell carcinoma. Identifiers: Orphanet 217071, MedGen C0007134, MeSH D002292, MONDO:0005086, HP:0005584.

Submissions (2):

Ambry Genetics
Classification: Uncertain significance for Hereditary cancer-predisposing syndrome. Last evaluated: 2025-05-31. Review status: criteria provided, single submitter. Criteria: Ambry Variant Classification Scheme 2023. Collection method: clinical testing. Allele origin: germline.
Comment: The p.S812T variant (also known as c.2434T>A), located in coding exon 10 of the MET gene, results from a T to A substitution at nucleotide position 2434. The serine at codon 812 is replaced by threonine, an amino acid with similar properties. This amino acid position is conserved. In addition, the in silico prediction for this alteration is inconclusive. Based on the available evidence, the clinical significance of this variant remains unclear.

Labcorp Genetics (formerly Invitae), Labcorp
Classification: Uncertain significance for Renal cell carcinoma. Last evaluated: 2024-06-02. Review status: criteria provided, single submitter. Criteria: Invitae Variant Classification Sherloc (09022015). Collection method: clinical testing. Allele origin: germline.
Comment: This sequence change replaces serine, which is neutral and polar, with threonine, which is neutral and polar, at codon 812 of the MET protein (p.Ser812Thr). This variant is not present in population databases (gnomAD no frequency). This variant has not been reported in the literature in individuals affected with MET-related conditions. Advanced modeling of protein sequence and biophysical properties (such as structural, functional, and spatial information, amino acid conservation, physicochemical variation, residue mobility, and thermodynamic stability) performed at Invitae indicates that this missense variant is not expected to disrupt MET protein function with a negative predictive value of 80%. In summary, the available evidence is currently insufficient to determine the role of this variant in disease. Therefore, it has been classified as a Variant of Uncertain Significance.